The following is an entry in ClinVar:

ClinVar aggregate classification (germline): Uncertain significance (1 of 4 stars; one submission).

Conditions:
Glucose-6-phosphate transport defect (GSD1B). Also called: GSD Ib; Glycogen Storage Disease Type Ib. Identifiers: Orphanet 364, Orphanet 79259, MedGen C0268146, MONDO:0009288, OMIM 232220.

Allele frequency attached by ClinVar (database versions not stated): gnomAD 0.00001; TOPMed 0.00001; ExAC 0.00003.

Submission:

Labcorp Genetics (formerly Invitae), Labcorp
Classification: Uncertain significance for Glucose-6-phosphate transport defect. Last evaluated: 2025-06-12. Review status: criteria provided, single submitter. Criteria: Invitae Variant Classification Sherloc (09022015). Collection method: clinical testing. Allele origin: germline.
Comment: This sequence change replaces alanine, which is neutral and non-polar, with proline, which is neutral and non-polar, at codon 406 of the SLC37A4 protein (p.Ala406Pro). This variant is present in population databases (rs782106840, gnomAD 0.04%). This variant has not been reported in the literature in individuals affected with SLC37A4-related conditions. ClinVar contains an entry for this variant (Variation ID: 2149467). Invitae Evidence Modeling of protein sequence and biophysical properties (such as structural, functional, and spatial information, amino acid conservation, physicochemical variation, residue mobility, and thermodynamic stability) indicates that this missense variant is not expected to disrupt SLC37A4 protein function with a negative predictive value of 80%. In summary, the available evidence is currently insufficient to determine the role of this variant in disease. Therefore, it has been classified as a Variant of Uncertain Significance.

NM_001164277.2(SLC37A4):c.1216G>C (p.Ala406Pro)

Gene: SLC37A4 (solute carrier family 37 member 4; minus strand). Cytogenetic location: 11q23.3.
Variant type: single nucleotide variant.
Coding change: c.1216G>C on transcript NM_001164277.2 (MANE Select); coding-DNA position 1216, G replaced by C.
Protein change: p.Ala406Pro; replaces alanine 406 with proline.
Molecular consequence: missense variant.
Genome position (GRCh38, 1-based): chr11:119,024,984, C>G on the plus strand (G>C on the coding strand, the complement: SLC37A4 is on the minus strand). VCF-style: chr11-119024984-C-G. GRCh37 (hg19) VCF-style: chr11-118895694-C-G.
Other names: c.997G>C, p.Ala333Pro (NM_001164279.2); c.1216G>C, p.Ala406Pro (NM_001164280.2, NM_001467.6); c.1282G>C, p.Ala428Pro (NM_001164278.2); short protein forms A333P, A428P, A406P.
Identifiers: ClinVar variation 2149467 (VCV002149467.4), dbSNP rs782106840, ClinGen allele CA6311595.